The following is an entry in ClinVar:

ClinVar aggregate classification (germline): Uncertain significance (1 of 4 stars; one submission).

Allele frequency attached by ClinVar (database versions not stated): gnomAD 0.00001.
gnomAD v4.1: 1 of 1,613,608 alleles (0.000062%); highest among the groups gnomAD compares: Non-Finnish European, 0.000085%; no homozygotes.

Submission:

GeneDx
Classification: Uncertain significance. Last evaluated: 2024-07-11. Review status: criteria provided, single submitter. Criteria: GeneDx Variant Classification Process June 2021. Collection method: clinical testing. Allele origin: germline. Affected: yes.
Comment: Not observed at significant frequency in large population cohorts (gnomAD); In silico analysis supports that this missense variant has a deleterious effect on protein structure/function; Has not been previously published as pathogenic or benign to our knowledge

NM_001042424.3(NSD2):c.2303A>G (p.His768Arg)

Gene: NSD2 (nuclear receptor binding SET domain protein 2; plus strand). Cytogenetic location: 4p16.3.
Variant type: single nucleotide variant.
Coding change: c.2303A>G on transcript NM_001042424.3 (MANE Select); coding-DNA position 2303, A replaced by G.
Protein change: p.His768Arg; replaces histidine 768 with arginine.
Molecular consequence: missense variant.
Genome position (GRCh38, 1-based): chr4:1,953,489, A>G. VCF-style: chr4-1953489-A-G. GRCh37 (hg19) VCF-style: chr4-1955216-A-G.
Other names: c.2303A>G, p.His768Arg (NM_133330.3, NM_133331.3, NM_133335.4); short protein forms H768R.
Identifiers: ClinVar variation 1710733 (VCV001710733.5), dbSNP rs959360615, ClinGen allele CA91278919.
Genomic context (GRCh38, chr4:1,953,489, plus strand): 5'-CTCTGACTGTATTTGAGAGCCGAGGTTTCCGCTGCCCCCTCCACAGCTGTGTGAGCTGCC[A>G]TGCTTCCAACCCTTCAAACCCAAGGCCGTCAAAAGGTACAGGTGCACCTGCGCAGCCTTG-3'
Protein context (NP_001035889.1, residues 758-778): RCPLHSCVSC[His768Arg]ASNPSNPRPS